The following is an entry in ClinVar:

NM_001267550.2(TTN):c.107468T>C (p.Met35823Thr)

Genes: TTN (titin; minus strand), TTN-AS1 (TTN antisense RNA 1; plus strand). Cytogenetic location: 2q31.2.
Variant type: single nucleotide variant.
Coding change: c.107468T>C on transcript NM_001267550.2 (MANE Select); coding-DNA position 107468, T replaced by C.
Protein change: p.Met35823Thr; replaces methionine 35823 with threonine.
Molecular consequence: missense variant.
Genome position (GRCh38, 1-based): chr2:178,527,658, A>G on the plus strand (T>C on the coding strand, the complement: TTN is on the minus strand). VCF-style: chr2-178527658-A-G. GRCh37 (hg19) VCF-style: chr2-179392385-A-G.
Other names: c.102545T>C, p.Met34182Thr (NM_001256850.1); c.80273T>C, p.Met26758Thr (NM_003319.4); c.99764T>C, p.Met33255Thr (NM_133378.4); c.80648T>C, p.Met26883Thr (NM_133432.3); c.80849T>C, p.Met26950Thr (NM_133437.4); short protein forms M26758T, M26950T, M34182T, M35823T, M26883T, M33255T.
Identifiers: ClinVar variation 2165914 (VCV002165914.4), dbSNP rs2468251031, ClinGen allele CA349400831.
Genomic context (GRCh38, chr2:178,527,658, plus strand): 5'-ATGCTGCTAGCACTGCTGCTGCTGAAACTGCTGAAGGAGGCCTCCTGCTTGGAGGCAGAC[A>G]TTTGGACTGACTGAGACGAGAAGCTTCCTTGCAAGCTTGTGTCACCACTTGTTCTCAATA-3'
Protein context (NP_001254479.2, residues 35813-35833): QGSFSSQSVQ[Met35823Thr]SASKQEASFS

ClinVar aggregate classification (germline): Uncertain significance (1 of 4 stars; one submission).

Conditions:
Autosomal recessive limb-girdle muscular dystrophy type 2J (LGMDR10). Also called: Limb-girdle muscular dystrophy, type 2J; MUSCULAR DYSTROPHY, LIMB-GIRDLE, AUTOSOMAL RECESSIVE 10. Identifiers: Orphanet 140922, MedGen C1837342, MONDO:0012127, OMIM 608807.
Dilated cardiomyopathy 1G (CMD1G). Identifiers: Orphanet 154, MedGen C1858763, MONDO:0011400, OMIM 604145.

Allele frequency attached by ClinVar (database versions not stated): gnomAD exomes below 0.00001.
gnomAD v4.1: 1 of 1,613,930 alleles (0.000062%); highest among the groups gnomAD compares: Non-Finnish European, 0.000085%; no homozygotes.

Submission:

Labcorp Genetics (formerly Invitae), Labcorp
Classification: Uncertain significance for Dilated cardiomyopathy 1G; Autosomal recessive limb-girdle muscular dystrophy type 2J. Last evaluated: 2023-05-22. Review status: criteria provided, single submitter. Criteria: Invitae Variant Classification Sherloc (09022015). Collection method: clinical testing. Allele origin: germline.
Comment: In summary, the available evidence is currently insufficient to determine the role of this variant in disease. Therefore, it has been classified as a Variant of Uncertain Significance. This variant is located in the M band of TTN (PMID: 25589632). Variants in this region may be relevant for neuromuscular disorders, but have not been definitively shown to cause cardiomyopathy (PMID: 23975875). Experimental studies and prediction algorithms are not available or were not evaluated, and the functional significance of this variant is currently unknown. ClinVar contains an entry for this variant (Variation ID: 2165914). This variant has not been reported in the literature in individuals affected with TTN-related conditions. This variant is not present in population databases (gnomAD no frequency). This sequence change replaces methionine, which is neutral and non-polar, with threonine, which is neutral and polar, at codon 35823 of the TTN protein (p.Met35823Thr).

Literature cited by the submitters: PubMed 25589632; PubMed 23975875.